The following is an entry in ClinVar:

NM_032806.6(POMGNT2):c.1567G>A (p.Glu523Lys)

Gene: POMGNT2 (protein O-linked mannose N-acetylglucosaminyltransferase 2 (beta 1,4-); minus strand). Cytogenetic location: 3p22.1.
Variant type: single nucleotide variant.
Coding change: c.1567G>A on transcript NM_032806.6 (MANE Select); coding-DNA position 1567, G replaced by A.
Protein change: p.Glu523Lys; replaces glutamic acid 523 with lysine.
Molecular consequence: missense variant.
Genome position (GRCh38, 1-based): chr3:43,079,865, C>T on the plus strand (G>A on the coding strand, the complement: POMGNT2 is on the minus strand). VCF-style: chr3-43079865-C-T. GRCh37 (hg19) VCF-style: chr3-43121357-C-T.
Other names: short protein forms E523K.
Identifiers: ClinVar variation 834474 (VCV000834474.4), dbSNP rs776146393, ClinGen allele CA2339820.

ClinVar aggregate classification (germline): Uncertain significance (1 of 4 stars; one submission).

Conditions:
Muscular dystrophy-dystroglycanopathy (congenital with brain and eye anomalies), type a, 8 (MDDGA8). Also called: WALKER-WARBURG SYNDROME OR MUSCLE-EYE-BRAIN DISEASE, GTDC2-RELATED. Identifiers: Orphanet 899, MedGen C3553813, MONDO:0013904, OMIM 614830.

Allele frequency attached by ClinVar (database versions not stated): gnomAD exomes below 0.00001 and 0.00001; TOPMed 0.00001; ExAC 0.00002; gnomAD 0.00002.
gnomAD v4.1: 7 of 1,614,212 alleles (0.00043%); highest among the groups gnomAD compares: Middle Eastern, 0.016%; no homozygotes.

Submission:

Labcorp Genetics (formerly Invitae), Labcorp
Classification: Uncertain significance for Muscular dystrophy-dystroglycanopathy (congenital with brain and eye anomalies), type a, 8. Last evaluated: 2025-08-18. Review status: criteria provided, single submitter. Criteria: Invitae Variant Classification Sherloc (09022015). Collection method: clinical testing. Allele origin: germline.
Comment: This sequence change replaces glutamic acid, which is acidic and polar, with lysine, which is basic and polar, at codon 523 of the POMGNT2 protein (p.Glu523Lys). This variant is present in population databases (rs776146393, gnomAD 0.006%). This missense change has been observed in individual(s) with clinical features of POMGNT2-related conditions (PMID: 33057194, 35982159). ClinVar contains an entry for this variant (Variation ID: 834474). Invitae Evidence Modeling of protein sequence and biophysical properties (such as structural, functional, and spatial information, amino acid conservation, physicochemical variation, residue mobility, and thermodynamic stability) indicates that this missense variant is not expected to disrupt POMGNT2 protein function with a negative predictive value of 80%. In summary, the available evidence is currently insufficient to determine the role of this variant in disease. Therefore, it has been classified as a Variant of Uncertain Significance.

Literature cited by the submitters: PubMed 33057194; PubMed 35982159.